The following is an entry in ClinVar:

ClinVar aggregate classification (germline): Pathogenic (1 of 4 stars; one submission).

Conditions:
Enterokinase deficiency. Also called: Congenital enteropathy due to enteropeptidase deficiency; ENTEROPEPTIDASE DEFICIENCY; Deficiency of enteropeptidase. Identifiers: Orphanet 168601, MedGen C0268416, MONDO:0009173, OMIM 226200.

Submission:

3billion
Classification: Pathogenic for Enterokinase deficiency. Last evaluated: 2024-09-28. Review status: criteria provided, single submitter. Criteria: ACMG Guidelines, 2015. Collection method: clinical testing. Allele origin: germline. Affected: yes.
Comment: The variant is observed at an extremely low frequency in the gnomAD v4.1.0 dataset (total allele frequency: <0.001%). Predicted Consequence/Location: Frameshift: predicted to result in a loss or disruption of normal protein function through nonsense-mediated decay (NMD) or protein truncation. Multiple pathogenic variants are reported downstream of the variant. Therefore, this variant is classified as Pathogenic according to the recommendation of ACMG/AMP guideline.

NM_002772.3(TMPRSS15):c.2493_2494del (p.Leu832fs)

Gene: TMPRSS15 (transmembrane serine protease 15; minus strand). Cytogenetic location: 21q21.1.
Variant type: Deletion.
Coding change: c.2493_2494del on transcript NM_002772.3 (MANE Select); coding-DNA positions 2493 to 2494, 2 bases deleted (CT; older notation c.2493_2494delCT).
Protein change: p.Leu832fs; shifts the reading frame from leucine 832.
Molecular consequence: frameshift variant.
Genome position (GRCh38, 1-based): chr21:18,281,214-18,281,215, AG deleted on the plus strand (CT on the coding strand, the reverse complement: TMPRSS15 is on the minus strand). VCF-style (leftmost placement, unchanged base first): chr21-18281213-AAG-A. GRCh37 (hg19) VCF-style: chr21-19653530-AAG-A.
Other names: c.2628_2629del, p.Leu877fs (NM_001428056.1); c.2493_2494del, p.Leu832fs (NM_001428057.1); short protein forms L832fs, L877fs.
Identifiers: ClinVar variation 4292672 (VCV004292672.1).